The following is an entry in ClinVar:

ClinVar aggregate classification (germline): Likely benign (1 of 4 stars; one submission).

gnomAD v4.1: 112 of 1,611,842 alleles (0.0069%); highest among the groups gnomAD compares: Admixed American, 0.078%; no homozygotes.

Submission:

CeGaT Center for Human Genetics Tuebingen
Classification: Likely benign. Last evaluated: 2026-07-01. Review status: criteria provided, single submitter. Criteria: CeGaT Center For Human Genetics Tuebingen Variant Classification Criteria Version 2. Collection method: clinical testing. Allele origin: germline. Affected: yes. Observed: 1 variant allele.
Comment: GTF2IRD1: BP4, BP7

NM_005685.4(GTF2IRD1):c.1536G>A (p.Ser512=)

Gene: GTF2IRD1 (GTF2I repeat domain containing 1; plus strand). Cytogenetic location: 7q11.23.
Variant type: single nucleotide variant.
Coding change: c.1536G>A on transcript NM_005685.4 (MANE Select); coding-DNA position 1536, G replaced by A.
Protein change: p.Ser512=; no amino-acid change (serine 512 retained).
Molecular consequence: synonymous variant.
Genome position (GRCh38, 1-based): chr7:74,539,886, G>A. VCF-style: chr7-74539886-G-A. GRCh37 (hg19) VCF-style: chr7-73954216-G-A.
Other names: c.1632G>A, p.Ser544= (NM_001199207.2); c.1536G>A, p.Ser512= (NM_001410888.1, NM_016328.3).
Identifiers: ClinVar variation 5038519 (VCV005038519.1).